The following is an entry in ClinVar:

NM_001429.4(EP300):c.6864G>C (p.Gln2288His)

Gene: EP300 (E1A binding protein p300; plus strand). Cytogenetic location: 22q13.2.
Variant type: single nucleotide variant.
Coding change: c.6864G>C on transcript NM_001429.4 (MANE Select); coding-DNA position 6864, G replaced by C.
Protein change: p.Gln2288His; replaces glutamine 2288 with histidine.
Molecular consequence: missense variant.
Genome position (GRCh38, 1-based): chr22:41,178,575, G>C. VCF-style: chr22-41178575-G-C. GRCh37 (hg19) VCF-style: chr22-41574579-G-C.
Other names: c.6786G>C, p.Gln2262His (NM_001362843.2); short protein forms Q2262H, Q2288H.
Identifiers: ClinVar variation 2572852 (VCV002572852.1), dbSNP rs2145522620, ClinGen allele CA411682915.

ClinVar aggregate classification (germline): Uncertain significance (1 of 4 stars; one submission).

Submission:

GeneDx
Classification: Uncertain significance. Last evaluated: 2023-01-12. Review status: criteria provided, single submitter. Criteria: GeneDx Variant Classification Process June 2021. Collection method: clinical testing. Allele origin: germline. Affected: yes.
Comment: Not observed at significant frequency in large population cohorts (gnomAD); In silico analysis supports that this missense variant has a deleterious effect on protein structure/function; Has not been previously published as pathogenic or benign to our knowledge